The following is an entry in ClinVar:

NM_014014.5(SNRNP200):c.2119A>G (p.Ile707Val)

Gene: SNRNP200 (small nuclear ribonucleoprotein U5 subunit 200; minus strand). Cytogenetic location: 2q11.2.
Variant type: single nucleotide variant.
Coding change: c.2119A>G on transcript NM_014014.5 (MANE Select); coding-DNA position 2119, A replaced by G.
Protein change: p.Ile707Val; replaces isoleucine 707 with valine.
Molecular consequence: missense variant.
Genome position (GRCh38, 1-based): chr2:96,293,013, T>C on the plus strand (A>G on the coding strand, the complement: SNRNP200 is on the minus strand). VCF-style: chr2-96293013-T-C. GRCh37 (hg19) VCF-style: chr2-96958751-T-C.
Other names: short protein forms I707V.
Identifiers: ClinVar variation 3391769 (VCV003391769.1).
Genomic context (GRCh38, chr2:96,293,013, plus strand): 5'-CCATAAACCACGGGCAAACCTGATTTTTTCCAGCATGTTCCATGATTTTTTCATAGACGA[T>C]TTCATTCATGATCTGGAAACGCTTGATAGCTTTTTTCTCTGTGATACCCACATATGTCTG-3'
Protein context (NP_054733.2, residues 697-717): AIKRFQIMNE[Ile707Val]VYEKIMEHAG

ClinVar aggregate classification (germline): Uncertain significance (1 of 4 stars; one submission).

Submission:

GeneDx
Classification: Uncertain significance. Last evaluated: 2024-06-20. Review status: criteria provided, single submitter. Criteria: GeneDx Variant Classification Process June 2021. Collection method: clinical testing. Allele origin: germline. Affected: yes.
Comment: Not observed at significant frequency in large population cohorts (gnomAD); In silico analysis indicates that this missense variant does not alter protein structure/function; Has not been previously published as pathogenic or benign to our knowledge